The following is an entry in ClinVar:

NM_001267550.2(TTN):c.65329_65333del (p.Ile21777fs)

Genes: TTN (titin; minus strand), TTN-AS1 (TTN antisense RNA 1; plus strand). Cytogenetic location: 2q31.2.
Variant type: Deletion.
Coding change: c.65329_65333del on transcript NM_001267550.2 (MANE Select); coding-DNA positions 65329 to 65333, 5 bases deleted (ATCTG; older notation c.65329_65333delATCTG).
Protein change: p.Ile21777fs; shifts the reading frame from isoleucine 21777.
Molecular consequence: frameshift variant. On other transcripts: non-coding transcript variant (1).
Genome position (GRCh38, 1-based): chr2:178,583,849-178,583,853, CAGAT deleted on the plus strand (ATCTG on the coding strand, the reverse complement: TTN is on the minus strand); deleting any 5 consecutive bases within chr2:178,583,849-178,583,857 gives the same sequence; the c. name uses the placement nearest the transcript's 3' end. VCF-style (leftmost placement, unchanged base first): chr2-178583848-CCAGAT-C. GRCh37 (hg19) VCF-style: chr2-179448575-CCAGAT-C.
Other names: c.60406_60410del, p.Ile20136fs (NM_001256850.1); c.38134_38138del, p.Ile12712fs (NM_003319.4); c.57625_57629del, p.Ile19209fs (NM_133378.4); c.38509_38513del, p.Ile12837fs (NM_133432.3); c.38710_38714del, p.Ile12904fs (NM_133437.4); short protein forms I12712fs, I12837fs, I12904fs, I19209fs, I20136fs, I21777fs.
Identifiers: ClinVar variation 3338352 (VCV003338352.1).

ClinVar aggregate classification (germline): Likely pathogenic (1 of 4 stars; one submission).

Conditions:
Primary dilated cardiomyopathy (DCM). Also called: Dilated Cardiomyopathy. Identifiers: Orphanet 217604, MedGen C0007193, MeSH D002311, MONDO:0005021, HP:0001644. Inheritance: Various modes of inheritance.

Submission:

Lildballe Lab, Aarhus University Hospital
Classification: Likely pathogenic for dilated cardiomyopathy. Last evaluated: 2024-03-01. Review status: criteria provided, single submitter. Criteria: ACMG Guidelines, 2015. Collection method: research. Allele origin: germline. Affected: yes.
Comment: PVS1(vs), PM2(sup)

Literature cited by the submitters: PubMed 25741932; PubMed 39481677.